The following is an entry in ClinVar:

ClinVar aggregate classification (germline): Uncertain significance (0 of 4 stars; one submission).

Conditions:
Congenital anomaly of kidney and urinary tract. Also called: Congenital anomalies of the kidney and urinary tract; Congenital anomalies of kidney and urinary tract. Identifiers: Orphanet 93545, MedGen C1968949, MeSH C566906, MONDO:0019719.

Allele frequency attached by ClinVar (database versions not stated): gnomAD exomes 0.00001.
gnomAD v4.1: 4 of 1,613,708 alleles (0.00025%); highest among the groups gnomAD compares: Middle Eastern, 0.017%; no homozygotes.

Submission:

Sydney Genome Diagnostics, Children's Hospital Westmead
Classification: Uncertain significance for Congenital anomaly of kidney and urinary tract. Last evaluated: 2020-01-20. Review status: no assertion criteria provided. Collection method: clinical testing. Allele origin: unknown. Affected: yes. Observed: 1 variant allele, 1 heterozygote.
Comment: The variant has not been reported in any population databases (i.e. gnomAD, ExAC, ESP or dbSNP). To our knowledge, this variant has not been previously reported in the literature or any disease specific databases. In silico analysis of pathogenicity (through Alamut Visual v2.13) is inconclusive regarding this change; MutationTaster and SIFT predicts it to be likely pathogenic whereas PolyPhen2 predicts this variant to be benign. This variant is considered to be a variant of uncertain clinical significance (VOUS) according to the ACMG guidelines (Evidence used: PM2).

NM_207361.6(FREM2):c.6041A>T (p.Asp2014Val)

Gene: FREM2 (FRAS1 related extracellular matrix 2; plus strand). Cytogenetic location: 13q13.3.
Variant type: single nucleotide variant.
Coding change: c.6041A>T on transcript NM_207361.6 (MANE Select); coding-DNA position 6041, A replaced by T.
Protein change: p.Asp2014Val; replaces aspartic acid 2014 with valine.
Molecular consequence: missense variant.
Genome position (GRCh38, 1-based): chr13:38,846,594, A>T. VCF-style: chr13-38846594-A-T. GRCh37 (hg19) VCF-style: chr13-39420731-A-T.
Other names: short protein forms D2014V.
Identifiers: ClinVar variation 988258 (VCV000988258.1), dbSNP rs548838018, ClinGen allele CA387894980.
Genomic context (GRCh38, chr13:38,846,594, plus strand): 5'-TAAAAATAACAGAAATGATTTCTGTTCCTTTCTTAACAGAACCCATCTTTTACTTCGGTG[A>T]TGTGGAATACTCTGTGGATGAGAGTGCTGGCTATGTGGAAGTGCAGGTGTGGAGAACGGG-3'
Protein context (NP_997244.4, residues 2004-2024): KDDEPIFYFG[Asp2014Val]VEYSVDESAG